The following is an entry in ClinVar:

ClinVar aggregate classification (germline): Uncertain significance (1 of 4 stars; one submission).

Conditions:
Cardiovascular phenotype. Identifiers: MedGen CN230736.

Submission:

Ambry Genetics
Classification: Uncertain significance for Cardiovascular phenotype. Last evaluated: 2022-09-05. Review status: criteria provided, single submitter. Criteria: Ambry Variant Classification Scheme 2023. Collection method: clinical testing. Allele origin: germline.
Comment: The p.A1117S variant (also known as c.3349G>T), located in coding exon 22 of the TRPM4 gene, results from a G to T substitution at nucleotide position 3349. The alanine at codon 1117 is replaced by serine, an amino acid with similar properties. This amino acid position is conserved. In addition, this alteration is predicted to be tolerated by in silico analysis. Since supporting evidence is limited at this time, the clinical significance of this alteration remains unclear.

NM_017636.4(TRPM4):c.3349G>T (p.Ala1117Ser)

Gene: TRPM4 (transient receptor potential cation channel subfamily M member 4; plus strand). Cytogenetic location: 19q13.33.
Variant type: single nucleotide variant.
Coding change: c.3349G>T on transcript NM_017636.4 (MANE Select); coding-DNA position 3349, G replaced by T.
Protein change: p.Ala1117Ser; replaces alanine 1117 with serine.
Molecular consequence: missense variant.
Genome position (GRCh38, 1-based): chr19:49,210,730, G>T. VCF-style: chr19-49210730-G-T. GRCh37 (hg19) VCF-style: chr19-49713987-G-T.
Other names: c.2914G>T, p.Ala972Ser (NM_001195227.2); c.3004G>T, p.Ala1002Ser (NM_001321281.2); c.1741G>T, p.Ala581Ser (NM_001321282.2); c.2827G>T, p.Ala943Ser (NM_001321283.2); c.2287G>T, p.Ala763Ser (NM_001321285.2); short protein forms A972S, A581S, A1117S, A943S, A1002S, A763S.
Identifiers: ClinVar variation 1730488 (VCV001730488.2), dbSNP rs902142202, ClinGen allele CA406772937.